The following is an entry in ClinVar:

ClinVar aggregate classification (germline): Pathogenic. Review status: criteria provided, multiple submitters, no conflicts (2 of 4 stars). 3 submissions from 3 submitters: Pathogenic (3). Last evaluated 2025-12-11.

Conditions:
ABHD12-related disorder. Also called: ABHD12-related condition.

Allele frequency attached by ClinVar (database versions not stated): gnomAD exomes below 0.00001; TOPMed 0.00002.
gnomAD v4.1: 31 of 1,613,612 alleles (0.0019%); highest among the groups gnomAD compares: Non-Finnish European, 0.0025%; no homozygotes.

Submissions (3):

Labcorp Genetics (formerly Invitae), Labcorp
Classification: Pathogenic. Last evaluated: 2025-12-11. Review status: criteria provided, single submitter. Criteria: Invitae Variant Classification Sherloc (09022015). Collection method: clinical testing. Allele origin: germline.
Comment: This sequence change creates a premature translational stop signal (p.Arg355*) in the ABHD12 gene. It is expected to result in an absent or disrupted protein product. Loss-of-function variants in ABHD12 are known to be pathogenic (PMID: 20797687). This variant is present in population databases (rs200536497, gnomAD 0.002%). This premature translational stop signal has been observed in individual(s) with clinical features of PHARC syndrome (PMID: 34573385). ClinVar contains an entry for this variant (Variation ID: 1451338). Algorithms developed to predict the effect of sequence changes on RNA splicing suggest that this variant may disrupt the consensus splice site. For these reasons, this variant has been classified as Pathogenic.

Dasa
Classification: Pathogenic. Last evaluated: 2025-01-28. Review status: criteria provided, single submitter. Criteria: DASA Assertion Criteria. Collection method: clinical testing. Allele origin: germline.
Comment: NM_001042472.3(ABHD12):c.1063C>T (p.Arg355*) introduces a premature termination codon predicted to result in loss of normal protein function. Loss-of-function is an established mechanism of disease for this gene. This variant has been observed in affected individuals with related phenotype in a genotype context consistent with recessive disease (PMID: 34573385). This variant has been reported in individuals with related phenotype (PMID: 34573385). The variant is present at low frequency in population datasets. Based on the available data, this variant is classified as pathogenic.

Blueprint Genetics
Classification: Pathogenic for ABHD12-related disorders. Last evaluated: 2024-06-10. Review status: criteria provided, single submitter. Criteria: ACMG Guidelines, 2015. Collection method: clinical testing. Allele origin: germline. Affected: yes. Observed: 1 variant allele.

Literature cited by the submitters: PubMed 20797687 (cited by Labcorp Genetics (formerly Invitae), Labcorp); PubMed 34573385 (cited by Labcorp Genetics (formerly Invitae), Labcorp and Dasa).

NM_001042472.3(ABHD12):c.1063C>T (p.Arg355Ter)

Gene: ABHD12 (abhydrolase domain containing 12, lysophospholipase; minus strand). Cytogenetic location: 20p11.21.
Variant type: single nucleotide variant.
Coding change: c.1063C>T on transcript NM_001042472.3 (MANE Select); coding-DNA position 1063, C replaced by T.
Protein change: p.Arg355Ter; replaces arginine 355 with a stop codon.
Molecular consequence: nonsense.
Genome position (GRCh38, 1-based): chr20:25,302,313, G>A on the plus strand (C>T on the coding strand, the complement: ABHD12 is on the minus strand). VCF-style: chr20-25302313-G-A. GRCh37 (hg19) VCF-style: chr20-25282949-G-A.
Other names: c.1063C>T, p.Arg355Ter (NM_015600.5); short protein forms R355*.
Identifiers: ClinVar variation 1451338 (VCV001451338.8), dbSNP rs200536497, ClinGen allele CA313712909.